The following is an entry in ClinVar:

ClinVar aggregate classification (germline): Likely benign (1 of 4 stars; one submission).

Allele frequency attached by ClinVar (database versions not stated): ESP Exome Variant Server 0.00023; gnomAD 0.00023; TOPMed 0.00024; 1000 Genomes Project 0.00060; 1000 Genomes Project 30x 0.00062.
gnomAD v4.1: 379 of 1,614,018 alleles (0.023%); highest among the groups gnomAD compares: South Asian, 0.13%; 2 homozygotes.

Submission:

CeGaT Center for Human Genetics Tuebingen
Classification: Likely benign. Last evaluated: 2022-09-01. Review status: criteria provided, single submitter. Criteria: CeGaT Center For Human Genetics Tuebingen Variant Classification Criteria Version 2. Collection method: clinical testing. Allele origin: germline. Affected: yes. Observed: 1 variant allele.
Comment: SLC13A1: BP4, BP7

NM_022444.4(SLC13A1):c.453G>A (p.Ala151=)

Gene: SLC13A1 (solute carrier family 13 member 1; minus strand). Cytogenetic location: 7q31.32.
Variant type: single nucleotide variant.
Coding change: c.453G>A on transcript NM_022444.4 (MANE Select); coding-DNA position 453, G replaced by A.
Protein change: p.Ala151=; no amino-acid change (alanine 151 retained).
Molecular consequence: synonymous variant. On other transcripts: 5 prime UTR variant (1).
Genome position (GRCh38, 1-based): chr7:123,169,248, C>T on the plus strand (G>A on the coding strand, the complement: SLC13A1 is on the minus strand). VCF-style: chr7-123169248-C-T. GRCh37 (hg19) VCF-style: chr7-122809302-C-T.
Other names: c.-265G>A (NM_001324400.1).
Identifiers: ClinVar variation 2657971 (VCV002657971.24), dbSNP rs28364195, ClinGen allele CA4461313.